The following is an entry in ClinVar:

NM_020366.4(RPGRIP1):c.3505G>C (p.Glu1169Gln)

Gene: RPGRIP1 (RPGR interacting protein 1; plus strand). Cytogenetic location: 14q11.2.
Variant type: single nucleotide variant.
Coding change: c.3505G>C on transcript NM_020366.4 (MANE Select); coding-DNA position 3505, G replaced by C.
Protein change: p.Glu1169Gln; replaces glutamic acid 1169 with glutamine.
Molecular consequence: missense variant.
Genome position (GRCh38, 1-based): chr14:21,343,201, G>C. VCF-style: chr14-21343201-G-C. GRCh37 (hg19) VCF-style: chr14-21811360-G-C.
Other names: c.1483G>C, p.Glu495Gln (NM_001377523.1, NM_001377950.1); c.2431G>C, p.Glu811Gln (NM_001377948.1); c.1591G>C, p.Glu531Gln (NM_001377949.1); c.988G>C, p.Glu330Gln (NM_001377951.1); short protein forms E1169Q, E330Q, E495Q, E531Q, E811Q.
Identifiers: ClinVar variation 283906 (VCV000283906.17), dbSNP rs201191634, ClinGen allele CA7089528.
Genomic context (GRCh38, chr14:21,343,201, plus strand): 5'-TACGACCTACCCTTGTCGGAGACAGAGACTCCAGTGTCCCTAAGGAAGCCTAGGGCAGGA[G>C]AAGAAATCCACTTTCACTTTAGCAAGGGTGAGGCATCCTGTGTGGTTACTGGGGTGAGGA-3'
Protein context (NP_065099.3, residues 1159-1179): PVSLRKPRAG[Glu1169Gln]EIHFHFSKVI

ClinVar aggregate classification (germline): Uncertain significance. Review status: criteria provided, multiple submitters, no conflicts (2 of 4 stars). 7 submissions from 6 submitters: Uncertain significance (7). Last evaluated 2026-08-10.

Conditions:
Inborn genetic diseases. Identifiers: MedGen C0950123, MeSH D030342.
RPGRIP1-related disorder. Also called: RPGRIP1-related condition.
Leber congenital amaurosis 6 (LCA6). Identifiers: Orphanet 65, MedGen C1854260, MONDO:0013446, OMIM 613826.
Cone-rod dystrophy 13 (CORD13). Identifiers: Orphanet 1872, MedGen C2750720, MONDO:0011987, OMIM 608194.

Allele frequency attached by ClinVar (database versions not stated): ExAC 0.00008; gnomAD 0.00019 and 0.00021; TOPMed 0.00024; ESP Exome Variant Server 0.00041.
gnomAD v4.1: 48 of 1,612,722 alleles (0.003%); highest among the groups gnomAD compares: African/African-American, 0.049%; no homozygotes.

Submissions (7):

PreventionGenetics, part of Exact Sciences
Classification: Uncertain significance for RPGRIP1-related condition. Last evaluated: 2026-08-10. Review status: criteria provided, single submitter. Criteria: ACMG Guidelines, 2015. Collection method: clinical testing. Allele origin: germline.
Comment: The RPGRIP1 c.3505G>C variant is predicted to result in the amino acid substitution p.Glu1169Gln. To our knowledge, this variant has not been reported in the literature. This variant is present in 0.066% of alleles in individuals of African descent in gnomAD, which may be too common to be an unreported cause of disease. Although we suspect that this variant may be benign, at this time, the clinical significance of this variant is uncertain due to the absence of conclusive functional and genetic evidence.

Labcorp Genetics (formerly Invitae), Labcorp
Classification: Uncertain significance for Leber congenital amaurosis 6; Cone-rod dystrophy 13. Last evaluated: 2024-11-18. Review status: criteria provided, single submitter. Criteria: Invitae Variant Classification Sherloc (09022015). Collection method: clinical testing. Allele origin: germline.
Comment: This sequence change replaces glutamic acid, which is acidic and polar, with glutamine, which is neutral and polar, at codon 1169 of the RPGRIP1 protein (p.Glu1169Gln). This variant is present in population databases (rs201191634, gnomAD 0.07%). This variant has not been reported in the literature in individuals affected with RPGRIP1-related conditions. ClinVar contains an entry for this variant (Variation ID: 283906). Invitae Evidence Modeling of protein sequence and biophysical properties (such as structural, functional, and spatial information, amino acid conservation, physicochemical variation, residue mobility, and thermodynamic stability) has been performed for this missense variant. However, the output from this modeling did not meet the statistical confidence thresholds required to predict the impact of this variant on RPGRIP1 protein function. In summary, the available evidence is currently insufficient to determine the role of this variant in disease. Therefore, it has been classified as a Variant of Uncertain Significance.

Blueprint Genetics
Classification: Uncertain significance. Last evaluated: 2024-07-18. Review status: criteria provided, single submitter. Criteria: ACMG Guidelines, 2015. Collection method: clinical testing. Allele origin: germline.

Genome-Nilou Lab
Classification: Uncertain significance for Leber congenital amaurosis 6. Last evaluated: 2021-11-07. Review status: criteria provided, single submitter. Criteria: ACMG Guidelines, 2015. Collection method: clinical testing. Allele origin: germline. Affected: no.

Genome-Nilou Lab
Classification: Uncertain significance for Cone-rod dystrophy 13. Last evaluated: 2021-11-07. Review status: criteria provided, single submitter. Criteria: ACMG Guidelines, 2015. Collection method: clinical testing. Allele origin: germline. Affected: no.

Ambry Genetics
Classification: Uncertain significance for Inborn genetic diseases. Last evaluated: 2021-10-05. Review status: criteria provided, single submitter. Criteria: Ambry Variant Classification Scheme 2023. Collection method: clinical testing. Allele origin: germline.

Eurofins Ntd Llc (ga)
Classification: Uncertain significance. Last evaluated: 2015-10-20. Review status: criteria provided, single submitter. Criteria: EGL Classification Definitions 2015. Collection method: clinical testing. Allele origin: germline. Observed: 1 variant allele, 1 heterozygote.